The following is an entry in ClinVar:

ClinVar aggregate classification (germline): Benign (1 of 4 stars; one submission).

Submission:

CeGaT Center for Human Genetics Tuebingen
Classification: Benign. Last evaluated: 2023-06-01. Review status: criteria provided, single submitter. Criteria: CeGaT Center For Human Genetics Tuebingen Variant Classification Criteria Version 2. Collection method: clinical testing. Allele origin: germline. Affected: yes. Observed: 2 variant alleles.
Comment: RPGRIP1: BS1, BS2

NM_020366.4(RPGRIP1):c.218+40_218+53del

Gene: RPGRIP1 (RPGR interacting protein 1; plus strand). Cytogenetic location: 14q11.2.
Variant type: Deletion.
Coding change: c.218+40_218+53del on transcript NM_020366.4 (MANE Select); bases 40 to 53 of the intron after coding-DNA position 218, 14 bases deleted (TTTTTTTTTTTTTT).
Molecular consequence: intron variant.
Genome position (GRCh38, 1-based): chr14:21,294,849-21,294,862, TTTTTTTTTTTTTT deleted; deleting any 14 consecutive bases within chr14:21,294,831-21,294,862 gives the same sequence; the c. name uses the placement nearest the transcript's 3' end. VCF-style (leftmost placement, unchanged base first): chr14-21294830-ATTTTTTTTTTTTTT-A. GRCh37 (hg19) VCF-style: chr14-21762989-ATTTTTTTTTTTTTT-A.
Identifiers: ClinVar variation 2644057 (VCV002644057.24), dbSNP rs746359185, ClinGen allele CA484987585.